The following is an entry in ClinVar:

ClinVar aggregate classification (germline): Uncertain significance (1 of 4 stars; one submission).

gnomAD v4.1: 1 of 1,613,568 alleles (0.000062%); highest among the groups gnomAD compares: East Asian, 0.0022%; no homozygotes.

Submission:

Labcorp Genetics (formerly Invitae), Labcorp
Classification: Uncertain significance. Last evaluated: 2024-08-30. Review status: criteria provided, single submitter. Criteria: Invitae Variant Classification Sherloc (09022015). Collection method: clinical testing. Allele origin: germline.
Comment: This sequence change replaces isoleucine, which is neutral and non-polar, with valine, which is neutral and non-polar, at codon 533 of the KIF11 protein (p.Ile533Val). This variant is not present in population databases (gnomAD no frequency). This variant has not been reported in the literature in individuals affected with KIF11-related conditions. Invitae Evidence Modeling of protein sequence and biophysical properties (such as structural, functional, and spatial information, amino acid conservation, physicochemical variation, residue mobility, and thermodynamic stability) indicates that this missense variant is not expected to disrupt KIF11 protein function with a negative predictive value of 80%. In summary, the available evidence is currently insufficient to determine the role of this variant in disease. Therefore, it has been classified as a Variant of Uncertain Significance.

NM_004523.4(KIF11):c.1597A>G (p.Ile533Val)

Gene: KIF11 (kinesin family member 11; plus strand). Cytogenetic location: 10q23.33.
Variant type: single nucleotide variant.
Coding change: c.1597A>G on transcript NM_004523.4 (MANE Select); coding-DNA position 1597, A replaced by G.
Protein change: p.Ile533Val; replaces isoleucine 533 with valine.
Molecular consequence: missense variant.
Genome position (GRCh38, 1-based): chr10:92,632,588, A>G. VCF-style: chr10-92632588-A-G. GRCh37 (hg19) VCF-style: chr10-94392345-A-G.
Other names: short protein forms I533V.
Identifiers: ClinVar variation 3647682 (VCV003647682.2).
Genomic context (GRCh38, chr10:92,632,588, plus strand): 5'-CTCCATTCCAAACTGGATCGTAAGAAGGCAGTTGACCAACACAATGCAGAAGCTCAGGAT[A>G]TTTTTGGCAAAAACCTGAATAGTCTGTTTAATAATATGGAAGAATTAATTAAGGATGGCA-3'
Protein context (NP_004514.2, residues 523-543): VDQHNAEAQD[Ile533Val]FGKNLNSLFN